The following is an entry in ClinVar:

NM_001371928.1(AHDC1):c.1137C>A (p.His379Gln)

Gene: AHDC1 (AT-hook DNA binding motif containing 1; minus strand). Cytogenetic location: 1p36.11.
Variant type: single nucleotide variant.
Coding change: c.1137C>A on transcript NM_001371928.1 (MANE Select); coding-DNA position 1137, C replaced by A.
Protein change: p.His379Gln; replaces histidine 379 with glutamine.
Molecular consequence: missense variant.
Genome position (GRCh38, 1-based): chr1:27,550,979, G>T on the plus strand (C>A on the coding strand, the complement: AHDC1 is on the minus strand). VCF-style: chr1-27550979-G-T. GRCh37 (hg19) VCF-style: chr1-27877490-G-T.
Other names: c.1137C>A, p.His379Gln (NM_001029882.3); short protein forms H379Q.
Identifiers: ClinVar variation 2070720 (VCV002070720.4), dbSNP rs2019519029, ClinGen allele CA339235019.

ClinVar aggregate classification (germline): Uncertain significance (1 of 4 stars; one submission).

Submission:

Labcorp Genetics (formerly Invitae), Labcorp
Classification: Uncertain significance. Last evaluated: 2022-09-03. Review status: criteria provided, single submitter. Criteria: Invitae Variant Classification Sherloc (09022015). Collection method: clinical testing. Allele origin: germline.
Comment: This sequence change replaces histidine, which is basic and polar, with glutamine, which is neutral and polar, at codon 379 of the AHDC1 protein (p.His379Gln). In summary, the available evidence is currently insufficient to determine the role of this variant in disease. Therefore, it has been classified as a Variant of Uncertain Significance. Algorithms developed to predict the effect of missense changes on protein structure and function are either unavailable or do not agree on the potential impact of this missense change (SIFT: "Deleterious"; PolyPhen-2: "Benign"; Align-GVGD: "Class C0"). This variant has not been reported in the literature in individuals affected with AHDC1-related conditions. This variant is not present in population databases (gnomAD no frequency).